The following is an entry in ClinVar:

ClinVar aggregate classification (germline): Likely pathogenic (1 of 4 stars; one submission).

Submission:

GeneDx
Classification: Likely pathogenic. Last evaluated: 2023-12-05. Review status: criteria provided, single submitter. Criteria: GeneDx Variant Classification Process June 2021. Collection method: clinical testing. Allele origin: germline. Affected: yes.
Comment: Canonical splice site variant predicted to result in an in-frame loss of the adjacent exon in a gene for which loss of function is a known mechanism of disease; Identified in one individual from a cohort of patients with suspected hereditary optic neuropathy (PMID: 19319978); Not observed at significant frequency in large population cohorts (gnomAD); This variant is associated with the following publications: (PMID: 25525159, 11440988, 19319978)

NM_130837.3(OPA1):c.1377+2T>G

Gene: OPA1 (OPA1 mitochondrial dynamin like GTPase; plus strand). Cytogenetic location: 3q29.
Variant type: single nucleotide variant.
Coding change: c.1377+2T>G on transcript NM_130837.3 (MANE Select); the canonical splice donor site of the intron after coding-DNA position 1377, T replaced by G.
Molecular consequence: splice donor variant.
Genome position (GRCh38, 1-based): chr3:193,643,446, T>G. VCF-style: chr3-193643446-T-G. GRCh37 (hg19) VCF-style: chr3-193361235-T-G.
Other names: c.840+2T>G (NM_001354664.2); c.843+2T>G (NM_001354663.2); c.1266+2T>G (NM_130834.3); c.1323+2T>G (NM_130836.3); c.1212+2T>G (NM_015560.3); c.1269+2T>G (NM_130835.3); c.1158+2T>G (NM_130832.3); c.1215+2T>G (NM_130833.3); and 1 more.
Identifiers: ClinVar variation 3338788 (VCV003338788.1).
Genomic context (GRCh38, chr3:193,643,446, plus strand): 5'-ATGTAAAAGGCCCTGGACTACAGAGGATGGTGCTTGTTGACTTACCAGGTGTGATTAATG[T>G]AAGTATATACAAAACATGTATTTTATTTTATTCTTATTGTGTGAAGCATTTATAATGACA-3'